The following is an entry in ClinVar:

ClinVar aggregate classification (germline): Pathogenic (1 of 4 stars; one submission).

Conditions:
Neurofibromatosis, type 1 (NF1). Also called: VON RECKLINGHAUSEN DISEASE; NEUROFIBROMATOSIS, TYPE I, SOMATIC; Neurofibromatosis, type I; Peripheral type neurofibromatosis. Identifiers: Orphanet 636, MedGen C0027831, MONDO:0018975, OMIM 162200. Disease mechanism: loss of function.

Submission:

Labcorp Genetics (formerly Invitae), Labcorp
Classification: Pathogenic for Neurofibromatosis, type 1. Last evaluated: 2022-01-03. Review status: criteria provided, single submitter. Criteria: Invitae Variant Classification Sherloc (09022015). Collection method: clinical testing. Allele origin: germline.
Comment: For these reasons, this variant has been classified as Pathogenic. This sequence change creates a premature translational stop signal (p.Val723Glyfs*3) in the NF1 gene. It is expected to result in an absent or disrupted protein product. Loss-of-function variants in NF1 are known to be pathogenic (PMID: 10712197, 23913538). This variant is not present in population databases (gnomAD no frequency). This premature translational stop signal has been observed in individual(s) with clinical features of neurofibromatosis type 1 (PMID: 31370276).

Literature cited by the submitters: PubMed 10712197; PubMed 23913538; PubMed 31370276.

NM_001042492.3(NF1):c.2167dup (p.Val723fs)

Gene: NF1 (neurofibromin 1; plus strand). Cytogenetic location: 17q11.2.
Variant type: Duplication.
Coding change: c.2167dup on transcript NM_001042492.3 (MANE Select); coding-DNA position 2167, one base duplicated (G; older notation c.2167dupG).
Protein change: p.Val723fs; shifts the reading frame from valine 723.
Molecular consequence: frameshift variant.
Genome position (GRCh38, 1-based): chr17:31,226,600, G duplicated; the last of 4 consecutive G bases (chr17:31,226,597-31,226,600); duplicating any one gives the same sequence. VCF-style (leftmost placement, unchanged base first): chr17-31226596-T-TG. GRCh37 (hg19) VCF-style: chr17-29553614-T-TG.
Other names: c.2167dup, p.Val723Glyfs (NM_000267.4); short protein forms V723fs.
Identifiers: ClinVar variation 1425530 (VCV001425530.6), dbSNP rs1567847571, ClinGen allele CA2573153259.